The following is an entry in ClinVar:

NM_172107.4(KCNQ2):c.1A>G (p.Met1Val)

Gene: KCNQ2 (potassium voltage-gated channel subfamily Q member 2; minus strand). Cytogenetic location: 20q13.33.
Variant type: single nucleotide variant.
Coding change: c.1A>G on transcript NM_172107.4 (MANE Select); coding-DNA position 1, A replaced by G.
Protein change: p.Met1Val; changes the start codon (methionine 1).
Molecular consequence: missense variant, initiator codon variant.
Genome position (GRCh38, 1-based): chr20:63,472,463, T>C on the plus strand (A>G on the coding strand, the complement: KCNQ2 is on the minus strand). VCF-style: chr20-63472463-T-C. GRCh37 (hg19) VCF-style: chr20-62103816-T-C.
Other names: c.1A>G, p.Met1Val (NM_004518.6, NM_172106.3, NM_172108.5 and 1 more transcripts); short protein forms M1V.
Identifiers: ClinVar variation 21774 (VCV000021774.57), dbSNP rs118192185, ClinGen allele CA342485.
Genomic context (GRCh38, chr20:63,472,463, plus strand): 5'-TCAGCTTCTTCTCCCCGCTCGGGCCGGGGTATACGCCGCCGTTGCGCGACTTCTGCACCA[T>C]GGTGCCTGGCGGGAGGCGCCCCGGGTCGGGCTCAGGCTCAGCGGGGGCGGAGCGCGGGGG-3'
Protein context (NP_742105.1, residues 1-11): [Met1Val]VQKSRNGGVY

ClinVar aggregate classification (germline): Pathogenic/Likely pathogenic. Review status: criteria provided, multiple submitters, no conflicts (2 of 4 stars). 5 submissions from 5 submitters: Pathogenic (2); Likely pathogenic (1). 2 of the submissions do not count toward it. Last evaluated 2025-10-31.

Conditions:
Early-infantile DEE. Also called: Ohtahara syndrome; Early infantile epileptic encephalopathy; Early infantile epileptic encephalopathy with suppression bursts. Identifiers: Orphanet 1934, MedGen C0393706, MONDO:0800491.
Developmental and epileptic encephalopathy, 7 (DEE7). Also called: Early infantile epileptic encephalopathy 7; KCNQ2-Related Neonatal-Onset Developmental and Epileptic Encephalopathy (NEO-DEE); KCNQ2-Related Neonatal Epileptic Encephalopathy. Identifiers: Orphanet 439218, MedGen C3150986, MONDO:0013387, OMIM 613720.
Seizures, benign familial neonatal, 1. Also called: Benign Neonatal Epilepsy 1; KCNQ2-Related Self-Limited Familial Neonatal Epilepsy (SLFNE); KCNQ2-Related Benign Familial Neonatal Epilepsy; Seizures, benign neonatal, 1. Identifiers: Orphanet 1949, MedGen C3149074, MONDO:0007365, OMIM 121200.

Submissions (5):

GeneDx
Classification: Pathogenic. Last evaluated: 2025-10-31. Review status: criteria provided, single submitter. Criteria: GeneDx Variant Classification Process June 2021. Collection method: clinical testing. Allele origin: germline. Affected: yes.
Comment: Reported in patients with features consistent with KCNQ2-related epilepsy in published literature (PMID: 14985406, 25959266, 38814296); Initiation codon variant in a gene for which loss of function is a known mechanism of disease; Not observed at significant frequency in large population cohorts (gnomAD); This variant is associated with the following publications: (PMID: 25982755, 27602407, 14985406, 19380078, 20437616, 25959266, 31440721, 38814296)

Labcorp Genetics (formerly Invitae), Labcorp
Classification: Pathogenic for Early-infantile DEE. Last evaluated: 2025-05-10. Review status: criteria provided, single submitter. Criteria: Invitae Variant Classification Sherloc (09022015). Collection method: clinical testing. Allele origin: germline.
Comment: This sequence change affects the initiator codon of the KCNQ2 mRNA. This change may impact translation initiation or efficiency. The next in-frame methionine is located at codon 174. This variant is not present in population databases (gnomAD no frequency). Disruption of the initiator codon has been observed in individual(s) with benign familial neonatal seizures (PMID: 14985406, 25982755). It has also been observed to segregate with disease in related individuals. ClinVar contains an entry for this variant (Variation ID: 21774). This variant disrupts the p.Arg144 amino acid residue in KCNQ2. Other variant(s) that disrupt this residue have been determined to be pathogenic (PMID: 23934111, 25740509). This suggests that this residue is clinically significant, and that variants that disrupt this residue are likely to be disease-causing. For these reasons, this variant has been classified as Pathogenic.

CeGaT Center for Human Genetics Tuebingen
Classification: Likely pathogenic. Last evaluated: 2018-04-01. Review status: criteria provided, single submitter. Criteria: CeGaT Center For Human Genetics Tuebingen Variant Classification Criteria Version 2. Collection method: clinical testing. Allele origin: germline. Affected: yes. Observed: 1 variant allele.

GeneReviews
No classification provided. Condition: Seizures, benign familial neonatal, 1. Review status: no classification provided. Collection method: literature only. Allele origin: germline. Affected: yes. Not counted in ClinVar's aggregate classification.
Comment: BFNE (benign familial neonatal epilepsy)

Hong-Tao Li Lab, Institute of Brain Science and Brain-inspired Research, Shandong First Medical University & Shandong Academy of Medical Sciences China
Classification: Pathogenic for Developmental and epileptic encephalopathy, 7. Review status: no assertion criteria provided. Collection method: research. Allele origin: germline. Inheritance: Autosomal dominant inheritance. Affected: yes. Observed: 1 variant allele, 1 heterozygote. Not counted in ClinVar's aggregate classification.
Comment: Observed in affected individuals from a Pakistani neurodevelopmental-disorder research cohort of 263 individuals. Classification assigned using the ACMG/AMP framework.

Literature cited by the submitters: PubMed 14985406 (cited by Labcorp Genetics (formerly Invitae), Labcorp and GeneReviews); PubMed 25982755 (cited by Labcorp Genetics (formerly Invitae), Labcorp and GeneReviews); PubMed 23934111 (cited by Labcorp Genetics (formerly Invitae), Labcorp); PubMed 25740509 (cited by Labcorp Genetics (formerly Invitae), Labcorp); PubMed 25959266 (cited by GeneReviews); NCBI Bookshelf NBK32534 (cited by GeneReviews).